The following is an entry in ClinVar:

ClinVar aggregate classification (germline): Conflicting classifications of pathogenicity. Review status: criteria provided, conflicting classifications (1 of 4 stars). 2 submissions from 2 submitters: Likely pathogenic (1); Uncertain significance (1). Last evaluated 2025-03-18.

Conditions:
Intellectual developmental disorder, autosomal recessive 43. Also called: Intellectual disability, autosomal recessive 43. Identifiers: Orphanet 88616, MedGen C4014386, MONDO:0014354, OMIM 615817.

Submissions (2):

First Genomix Gene Laboratory, Genetic Diagnostics Department
Classification: Likely pathogenic for Intellectual developmental disorder, autosomal recessive 43. Last evaluated: 2025-03-18. Review status: criteria provided, single submitter. Criteria: ACMG Guidelines, 2015. Collection method: clinical testing. Allele origin: germline. Inheritance: Autosomal recessive inheritance. Affected: no. Observed: 1 variant allele.

GeneDx
Classification: Uncertain significance. Last evaluated: 2023-06-04. Review status: criteria provided, single submitter. Criteria: GeneDx Variant Classification Process June 2021. Collection method: clinical testing. Allele origin: germline. Affected: yes.
Comment: Not observed at significant frequency in large population cohorts (gnomAD); Nonsense variant predicted to result in protein truncation or nonsense mediated decay in a gene or region of a gene for which loss of function is not a well-established mechanism of disease; Has not been previously published as pathogenic or benign to our knowledge

NM_015275.3(WASHC4):c.3334C>T (p.Arg1112Ter)

Gene: WASHC4 (WASH complex subunit 4; plus strand). Cytogenetic location: 12q23.3.
Variant type: single nucleotide variant.
Coding change: c.3334C>T on transcript NM_015275.3 (MANE Select); coding-DNA position 3334, C replaced by T.
Protein change: p.Arg1112Ter; replaces arginine 1112 with a stop codon.
Molecular consequence: nonsense.
Genome position (GRCh38, 1-based): chr12:105,164,287, C>T. VCF-style: chr12-105164287-C-T. GRCh37 (hg19) VCF-style: chr12-105558065-C-T.
Other names: c.3337C>T, p.Arg1113Ter (NM_001293640.2); short protein forms R1112*, R1113*.
Identifiers: ClinVar variation 3362164 (VCV003362164.2).